The following is an entry in ClinVar:

NM_024426.6(WT1):c.572G>C (p.Ser191Thr)

Genes: WT1 (WT1 transcription factor; minus strand), LOC107982234 (WT1/WT1-AS bi-directional promoter region; plus strand). Cytogenetic location: 11p13.
Variant type: single nucleotide variant.
Coding change: c.572G>C on transcript NM_024426.6 (MANE Select); coding-DNA position 572, G replaced by C.
Protein change: p.Ser191Thr; replaces serine 191 with threonine.
Molecular consequence: missense variant. On other transcripts: non-coding transcript variant (1).
Genome position (GRCh38, 1-based): chr11:32,434,789, C>G on the plus strand (G>C on the coding strand, the complement: WT1 is on the minus strand). VCF-style: chr11-32434789-C-G. GRCh37 (hg19) VCF-style: chr11-32456335-C-G.
Other names: c.572G>C, p.Ser191Thr (NM_000378.6, NM_024424.5); short protein forms S191T.
Identifiers: ClinVar variation 1479958 (VCV001479958.8), dbSNP rs2133101967, ClinGen allele CA379964628.
Genomic context (GRCh38, chr11:32,434,789, plus strand): 5'-AGGCAGCTGGGCAGGTAGGGCGCGTTAGGAAACATCCTGGCCTGGCCGGATGACGCCTGG[C>G]TGGGCGGAGGAGGACCGAAGGGCCCGTAGCGACAGGCTCCGGCTGTGCCAGTGAACTGGC-3'
Protein context (NP_077744.4, residues 181-201): RYGPFGPPPP[Ser191Thr]QASSGQARMF

ClinVar aggregate classification (germline): Uncertain significance (1 of 4 stars; one submission).

Conditions:
Frasier syndrome. Identifiers: Orphanet 347, MedGen C0950122, MeSH D052159, MONDO:0007635, OMIM 136680.
Drash syndrome (DDS). Also called: WILMS TUMOR AND PSEUDO- OR TRUE HERMAPHRODITISM; NEPHROPATHY, WILMS TUMOR, AND GENITAL ANOMALIES. Identifiers: Orphanet 220, MedGen C0950121, MONDO:0008682, OMIM 194080.
Wilms tumor 1 (WT1). Also called: Wilms tumor, somatic. Identifiers: Orphanet 654, MedGen CN033288, MONDO:0008679, OMIM 194070.
11p partial monosomy syndrome (WAGR). Also called: WAGR Complex; WAGR Spectrum Disorder; WAGR syndrome; CHROMOSOME 11p13 DELETION SYNDROME. Identifiers: Orphanet 893, MedGen C0206115, MONDO:0008681, OMIM 194072.

Submission:

Labcorp Genetics (formerly Invitae), Labcorp
Classification: Uncertain significance for Wilms tumor 1; Drash syndrome; 11p partial monosomy syndrome; Frasier syndrome. Last evaluated: 2021-03-24. Review status: criteria provided, single submitter. Criteria: Invitae Variant Classification Sherloc (09022015). Collection method: clinical testing. Allele origin: germline.
Comment: This sequence change replaces serine with threonine at codon 186 of the WT1 protein (p.Ser186Thr). The serine residue is highly conserved and there is a small physicochemical difference between serine and threonine. This variant is not present in population databases (ExAC no frequency). This variant has not been reported in the literature in individuals with WT1-related conditions. Algorithms developed to predict the effect of missense changes on protein structure and function (SIFT, PolyPhen-2, Align-GVGD) all suggest that this variant is likely to be tolerated, but these predictions have not been confirmed by published functional studies and their clinical significance is uncertain. In summary, the available evidence is currently insufficient to determine the role of this variant in disease. Therefore, it has been classified as a Variant of Uncertain Significance.